The following is an entry in ClinVar:

NM_001330078.2(NRXN1):c.395A>G (p.Gln132Arg)

Gene: NRXN1 (neurexin 1; minus strand). Cytogenetic location: 2p16.3.
Variant type: single nucleotide variant.
Coding change: c.395A>G on transcript NM_001330078.2 (MANE Select); coding-DNA position 395, A replaced by G.
Protein change: p.Gln132Arg; replaces glutamine 132 with arginine.
Molecular consequence: missense variant.
Genome position (GRCh38, 1-based): chr2:51,027,879, T>C on the plus strand (A>G on the coding strand, the complement: NRXN1 is on the minus strand). VCF-style: chr2-51027879-T-C. GRCh37 (hg19) VCF-style: chr2-51255017-T-C.
Other names: c.395A>G, p.Gln132Arg (NM_001330081.2, NM_001330082.2, NM_001330083.2 and 15 more transcripts); short protein forms Q132R.
Identifiers: ClinVar variation 2712711 (VCV002712711.3), dbSNP rs2468078225, ClinGen allele CA346824093.

ClinVar aggregate classification (germline): Uncertain significance (1 of 4 stars; one submission).

Conditions:
Pitt-Hopkins-like syndrome 2 (PTHSL2). Identifiers: Orphanet 221150, Orphanet 600663, MedGen C3280479, MONDO:0013690, OMIM 614325.

Submission:

Labcorp Genetics (formerly Invitae), Labcorp
Classification: Uncertain significance for Pitt-Hopkins-like syndrome 2. Last evaluated: 2023-05-13. Review status: criteria provided, single submitter. Criteria: Invitae Variant Classification Sherloc (09022015). Collection method: clinical testing. Allele origin: germline.
Comment: This sequence change replaces glutamine, which is neutral and polar, with arginine, which is basic and polar, at codon 132 of the NRXN1 protein (p.Gln132Arg). This variant is not present in population databases (gnomAD no frequency). This variant has not been reported in the literature in individuals affected with NRXN1-related conditions. Algorithms developed to predict the effect of missense changes on protein structure and function output the following: SIFT: "Not Available"; PolyPhen-2: "Benign"; Align-GVGD: "Not Available". The arginine amino acid residue is found in multiple mammalian species, which suggests that this missense change does not adversely affect protein function. In summary, the available evidence is currently insufficient to determine the role of this variant in disease. Therefore, it has been classified as a Variant of Uncertain Significance.